The following is an entry in ClinVar:

NM_006662.3(SRCAP):c.8875G>T (p.Asp2959Tyr)

Gene: SRCAP (Snf2 related CREBBP activator protein; plus strand). Cytogenetic location: 16p11.2.
Variant type: single nucleotide variant.
Coding change: c.8875G>T on transcript NM_006662.3 (MANE Select); coding-DNA position 8875, G replaced by T.
Protein change: p.Asp2959Tyr; replaces aspartic acid 2959 with tyrosine.
Molecular consequence: missense variant.
Genome position (GRCh38, 1-based): chr16:30,738,915, G>T. VCF-style: chr16-30738915-G-T. GRCh37 (hg19) VCF-style: chr16-30750236-G-T.
Other names: short protein forms D2959Y.
Identifiers: ClinVar variation 4632210 (VCV004632210.2).

ClinVar aggregate classification (germline): Uncertain significance. Review status: criteria provided, multiple submitters, no conflicts (2 of 4 stars). 2 submissions from 2 submitters: Uncertain significance (2). Last evaluated 2025-11-07.

Conditions:
Inborn genetic diseases. Identifiers: MedGen C0950123, MeSH D030342.

gnomAD v4.1: 4 of 1,614,010 alleles (0.00025%); highest among the groups gnomAD compares: African/African-American, 0.004%; no homozygotes.

Submissions (2):

Ambry Genetics
Classification: Uncertain significance for Inborn genetic diseases. Last evaluated: 2025-11-07. Review status: criteria provided, single submitter. Criteria: Ambry Variant Classification Scheme 2023. Collection method: clinical testing. Allele origin: germline.

Labcorp Genetics (formerly Invitae), Labcorp
Classification: Uncertain significance. Last evaluated: 2025-05-07. Review status: criteria provided, single submitter. Criteria: Invitae Variant Classification Sherloc (09022015). Collection method: clinical testing. Allele origin: germline.
Comment: This sequence change replaces aspartic acid, which is acidic and polar, with tyrosine, which is neutral and polar, at codon 2959 of the SRCAP protein (p.Asp2959Tyr). This variant is present in population databases (no rsID available, gnomAD 0.01%). This variant has not been reported in the literature in individuals affected with SRCAP-related conditions. Invitae Evidence Modeling of protein sequence and biophysical properties (such as structural, functional, and spatial information, amino acid conservation, physicochemical variation, residue mobility, and thermodynamic stability) indicates that this missense variant is not expected to disrupt SRCAP protein function with a negative predictive value of 80%. Algorithms developed to predict the effect of sequence changes on RNA splicing suggest that this variant may create or strengthen a splice site. In summary, the available evidence is currently insufficient to determine the role of this variant in disease. Therefore, it has been classified as a Variant of Uncertain Significance.